The following is an entry in ClinVar:

ClinVar aggregate classification (germline): Uncertain significance. Review status: criteria provided, multiple submitters, no conflicts (2 of 4 stars). 2 submissions from 2 submitters: Uncertain significance (2). Last evaluated 2025-07-15.

Allele frequency attached by ClinVar (database versions not stated): gnomAD 0.00005; TOPMed 0.00006; ExAC 0.00015.
gnomAD v4.1: 171 of 1,477,636 alleles (0.012%); highest among the groups gnomAD compares: Non-Finnish European, 0.014%; no homozygotes.

Submissions (2):

Ambry Genetics
Classification: Uncertain significance. Last evaluated: 2025-07-15. Review status: criteria provided, single submitter. Criteria: Ambry Variant Classification Scheme 2023. Collection method: clinical testing. Allele origin: germline.

Labcorp Genetics (formerly Invitae), Labcorp
Classification: Uncertain significance. Last evaluated: 2025-03-31. Review status: criteria provided, single submitter. Criteria: Invitae Variant Classification Sherloc (09022015). Collection method: clinical testing. Allele origin: germline.
Comment: This sequence change replaces proline, which is neutral and non-polar, with arginine, which is basic and polar, at codon 12 of the MRPL12 protein (p.Pro12Arg). This variant is present in population databases (rs777336686, gnomAD 0.01%). This variant has not been reported in the literature in individuals affected with MRPL12-related conditions. ClinVar contains an entry for this variant (Variation ID: 2052142). An algorithm developed to predict the effect of missense changes on protein structure and function (PolyPhen-2) suggests that this variant is likely to be tolerated. In summary, the available evidence is currently insufficient to determine the role of this variant in disease. Therefore, it has been classified as a Variant of Uncertain Significance.

NM_002949.4(MRPL12):c.35C>G (p.Pro12Arg)

Gene: MRPL12 (mitochondrial ribosomal protein L12; plus strand). Cytogenetic location: 17q25.3.
Variant type: single nucleotide variant.
Coding change: c.35C>G on transcript NM_002949.4 (MANE Select); coding-DNA position 35, C replaced by G.
Protein change: p.Pro12Arg; replaces proline 12 with arginine.
Molecular consequence: missense variant.
Genome position (GRCh38, 1-based): chr17:81,703,536, C>G. VCF-style: chr17-81703536-C-G. GRCh37 (hg19) VCF-style: chr17-79670566-C-G.
Other names: c.35C>G (NM_002949.3); short protein forms P12R.
Identifiers: ClinVar variation 2052142 (VCV002052142.7), dbSNP rs777336686, ClinGen allele CA8841222.
Genomic context (GRCh38, chr17:81,703,536, plus strand): 5'-CGTGTGACCTTCCAGCCCGCGGACCGATGCTGCCGGCGGCCGCTCGCCCCCTGTGGGGGC[C>G]TTGCCTTGGGCTTCGGGCCGCTGCGTTCCGCCTTGCCAGGTACGCGGGATCCTGGGGCGG-3'
Protein context (NP_002940.2, residues 2-22): LPAAARPLWG[Pro12Arg]CLGLRAAAFR